The following is an entry in ClinVar:

NM_001378778.1(MPDZ):c.4894A>G (p.Ile1632Val)

Gene: MPDZ (multiple PDZ domain crumbs cell polarity complex component; minus strand). Cytogenetic location: 9p23.
Variant type: single nucleotide variant.
Coding change: c.4894A>G on transcript NM_001378778.1 (MANE Select); coding-DNA position 4894, A replaced by G.
Protein change: p.Ile1632Val; replaces isoleucine 1632 with valine.
Molecular consequence: missense variant.
Genome position (GRCh38, 1-based): chr9:13,123,212, T>C on the plus strand (A>G on the coding strand, the complement: MPDZ is on the minus strand). VCF-style: chr9-13123212-T-C. GRCh37 (hg19) VCF-style: chr9-13123211-T-C.
Other names: c.4795A>G, p.Ile1599Val (NM_001261406.2, NM_001261407.2, NM_001375416.1 and 3 more transcripts); c.4894A>G, p.Ile1632Val (NM_001330637.2, NM_003829.5); c.4993A>G, p.Ile1665Val (NM_001375413.1); c.4684A>G, p.Ile1562Val (NM_001375420.1, NM_001375421.1, NM_001375422.1 and 4 more transcripts); c.4486A>G, p.Ile1496Val (NM_001375427.1); c.4894A>G (NM_003829.3); short protein forms I1632V, I1496V, I1562V, I1599V, I1665V.
Identifiers: ClinVar variation 1430171 (VCV001430171.7), dbSNP rs61753785, ClinGen allele CA4986534.

ClinVar aggregate classification (germline): Uncertain significance. Review status: criteria provided, multiple submitters, no conflicts (2 of 4 stars). 2 submissions from 2 submitters: Uncertain significance (2). Last evaluated 2023-12-26.

Conditions:
Inborn genetic diseases. Identifiers: MedGen C0950123, MeSH D030342.

Allele frequency attached by ClinVar (database versions not stated): ExAC 0.00003; gnomAD exomes 0.00006 and 0.00009; TOPMed 0.00006; gnomAD 0.00009.
gnomAD v4.1: 154 of 1,613,292 alleles (0.0095%); highest among the groups gnomAD compares: Non-Finnish European, 0.012%; no homozygotes.

Submissions (2):

Ambry Genetics
Classification: Uncertain significance for Inborn genetic diseases. Last evaluated: 2023-12-26. Review status: criteria provided, single submitter. Criteria: Ambry Variant Classification Scheme 2023. Collection method: clinical testing. Allele origin: germline.

Labcorp Genetics (formerly Invitae), Labcorp
Classification: Uncertain significance. Last evaluated: 2023-07-03. Review status: criteria provided, single submitter. Criteria: Invitae Variant Classification Sherloc (09022015). Collection method: clinical testing. Allele origin: germline.
Comment: This sequence change replaces isoleucine, which is neutral and non-polar, with valine, which is neutral and non-polar, at codon 1632 of the MPDZ protein (p.Ile1632Val). This variant is present in population databases (rs61753785, gnomAD 0.01%). This variant has not been reported in the literature in individuals affected with MPDZ-related conditions. ClinVar contains an entry for this variant (Variation ID: 1430171). An algorithm developed to predict the effect of missense changes on protein structure and function (PolyPhen-2) suggests that this variant is likely to be disruptive. In summary, the available evidence is currently insufficient to determine the role of this variant in disease. Therefore, it has been classified as a Variant of Uncertain Significance.